The following is an entry in ClinVar:

NM_001605.3(AARS1):c.1222G>C (p.Gly408Arg)

Gene: AARS1 (alanyl-tRNA synthetase 1; minus strand). Cytogenetic location: 16q22.1.
Variant type: single nucleotide variant.
Coding change: c.1222G>C on transcript NM_001605.3 (MANE Select); coding-DNA position 1222, G replaced by C.
Protein change: p.Gly408Arg; replaces glycine 408 with arginine.
Molecular consequence: missense variant.
Genome position (GRCh38, 1-based): chr16:70,267,659, C>G on the plus strand (G>C on the coding strand, the complement: AARS1 is on the minus strand). VCF-style: chr16-70267659-C-G. GRCh37 (hg19) VCF-style: chr16-70301562-C-G.
Other names: short protein forms G408R.
Identifiers: ClinVar variation 1682245 (VCV001682245.6), dbSNP rs369135192, ClinGen allele CA8140894.

ClinVar aggregate classification (germline): Uncertain significance (1 of 4 stars; one submission).

Conditions:
Charcot-Marie-Tooth disease type 2. Also called: Charcot-Marie-Tooth type 2. Identifiers: Orphanet 64746, MedGen C0270914, MONDO:0018993.

gnomAD v4.1: 9 of 1,613,988 alleles (0.00056%); highest among the groups gnomAD compares: Admixed American, 0.0017%; no homozygotes.

Submission:

Labcorp Genetics (formerly Invitae), Labcorp
Classification: Uncertain significance for Charcot-Marie-Tooth disease type 2. Last evaluated: 2022-12-15. Review status: criteria provided, single submitter. Criteria: Invitae Variant Classification Sherloc (09022015). Collection method: clinical testing. Allele origin: germline.
Comment: In summary, the available evidence is currently insufficient to determine the role of this variant in disease. Therefore, it has been classified as a Variant of Uncertain Significance. Algorithms developed to predict the effect of sequence changes on RNA splicing suggest that this variant may create or strengthen a splice site. Algorithms developed to predict the effect of missense changes on protein structure and function are either unavailable or do not agree on the potential impact of this missense change (SIFT: "Deleterious"; PolyPhen-2: "Probably Damaging"; Align-GVGD: "Class C15"). ClinVar contains an entry for this variant (Variation ID: 1682245). This missense change has been observed in individual(s) with clinical features of Charcot-Marie-Tooth Disease (PMID: 32376792). This variant is present in population databases (rs369135192, gnomAD 0.003%). This sequence change replaces glycine, which is neutral and non-polar, with arginine, which is basic and polar, at codon 408 of the AARS protein (p.Gly408Arg).

Literature cited by the submitters: PubMed 32376792.